The following is an entry in ClinVar:

ClinVar aggregate classification (germline): Uncertain significance (1 of 4 stars; one submission).

Submission:

GeneDx
Classification: Uncertain significance. Last evaluated: 2025-08-04. Review status: criteria provided, single submitter. Criteria: GeneDx Variant Classification Process June 2021. Collection method: clinical testing. Allele origin: germline. Affected: yes.
Comment: Has not been previously published as pathogenic or benign to our knowledge; Not observed at significant frequency in large population cohorts (gnomAD); In silico analysis suggests that this missense variant does not alter protein structure/function

NM_016203.4(PRKAG2):c.64G>T (p.Gly22Cys)

Gene: PRKAG2 (protein kinase AMP-activated non-catalytic subunit gamma 2; minus strand). Cytogenetic location: 7q36.1.
Variant type: single nucleotide variant.
Coding change: c.64G>T on transcript NM_016203.4 (MANE Select); coding-DNA position 64, G replaced by T.
Protein change: p.Gly22Cys; replaces glycine 22 with cysteine.
Molecular consequence: missense variant.
Genome position (GRCh38, 1-based): chr7:151,876,557, C>A on the plus strand (G>T on the coding strand, the complement: PRKAG2 is on the minus strand). VCF-style: chr7-151876557-C-A. GRCh37 (hg19) VCF-style: chr7-151573642-C-A.
Other names: c.64G>T, p.Gly22Cys (NM_001407021.1, NM_001407022.1, NM_001407023.1 and 2 more transcripts); short protein forms G22C.
Identifiers: ClinVar variation 4755698 (VCV004755698.1).